The following is an entry in ClinVar:

NM_005523.6(HOXA11):c.396G>C (p.Arg132Ser)

Genes: HOXA11 (homeobox A11; minus strand), LOC107126281 (NUP98-HOXA11 recombination region; plus strand). Cytogenetic location: 7p15.2.
Variant type: single nucleotide variant.
Coding change: c.396G>C on transcript NM_005523.6 (MANE Select); coding-DNA position 396, G replaced by C.
Protein change: p.Arg132Ser; replaces arginine 132 with serine.
Molecular consequence: missense variant.
Genome position (GRCh38, 1-based): chr7:27,184,749, C>G on the plus strand (G>C on the coding strand, the complement: HOXA11 is on the minus strand). VCF-style: chr7-27184749-C-G. GRCh37 (hg19) VCF-style: chr7-27224368-C-G.
Other names: p.Arg132Ser; c.396G>C (NM_005523.5); short protein forms R132S.
Identifiers: ClinVar variation 1675087 (VCV001675087.6), dbSNP rs143812636, ClinGen allele CA4198418.

ClinVar aggregate classification (germline): Conflicting classifications of pathogenicity. Review status: criteria provided, conflicting classifications (1 of 4 stars). 4 submissions from 4 submitters: Uncertain significance (1); Benign (1); Likely benign (2). Last evaluated 2026-02-04.

Conditions:
Radioulnar synostosis with amegakaryocytic thrombocytopenia 1 (RUSAT1). Also called: THROMBOCYTOPENIA, CONGENITAL, WITH RADIOULNAR SYNOSTOSIS. Identifiers: Orphanet 71289, MedGen C4551975, MONDO:0024558, OMIM 605432.
HOXA11-related disorder. Also called: HOXA11-related condition.

Allele frequency attached by ClinVar (database versions not stated): 1000 Genomes Project 30x 0.00016; 1000 Genomes Project 0.00020; TOPMed 0.00032; ESP Exome Variant Server 0.00038; gnomAD exomes 0.00044 and 0.00045; gnomAD 0.00051 and 0.00052; ExAC 0.00058.
gnomAD v4.1: 698 of 1,613,838 alleles (0.043%); highest among the groups gnomAD compares: Non-Finnish European, 0.057%; 1 homozygote.

Submissions (4):

PreventionGenetics, part of Exact Sciences
Classification: Likely benign for HOXA11-related condition. Last evaluated: 2026-02-04. Review status: criteria provided, single submitter. Criteria: ACMG Guidelines, 2015. Collection method: clinical testing. Allele origin: germline.
Comment: This variant is classified as likely benign based on ACMG/AMP sequence variant interpretation guidelines (Richards et al. 2015 PMID: 25741868, with internal and published modifications).

Mayo Clinic Laboratories, Mayo Clinic
Classification: Benign. Last evaluated: 2025-10-14. Review status: criteria provided, single submitter. Criteria: ACMG Guidelines, 2015. Collection method: clinical testing. Allele origin: germline. Observed: 1 variant allele.
Comment: BA1

Blueprint Genetics
Classification: Likely benign. Last evaluated: 2024-11-26. Review status: criteria provided, single submitter. Criteria: ACMG Guidelines, 2015. Collection method: clinical testing. Allele origin: germline.

Center for Genomics, Ann and Robert H. Lurie Children's Hospital of Chicago
Classification: Uncertain significance for Radioulnar synostosis with amegakaryocytic thrombocytopenia 1. Last evaluated: 2021-11-03. Review status: criteria provided, single submitter. Criteria: ACMG Guidelines, 2015. Collection method: clinical testing. Allele origin: germline.
Comment: HOXA11 NM_005523.5 exon 1 p.Arg132Ser (c.396G>C): This variant has not been reported in the literature but is present in 0.1% (72/68034) of European alleles in the Genome Aggregation Database. Evolutionary conservation and computational predictive tools suggest that this variant may impact the protein. In summary, data on this variant is insufficient for disease classification. Therefore, the clinical significance of this variant is uncertain.

Literature cited by the submitters: PubMed 28748566 (cited by Mayo Clinic Laboratories, Mayo Clinic).